The following is an entry in ClinVar:

NM_000238.4(KCNH2):c.2266A>G (p.Met756Val)

Gene: KCNH2 (potassium voltage-gated channel subfamily H member 2; minus strand). Cytogenetic location: 7q36.1.
Variant type: single nucleotide variant.
Coding change: c.2266A>G on transcript NM_000238.4 (MANE Select); coding-DNA position 2266, A replaced by G.
Protein change: p.Met756Val; replaces methionine 756 with valine.
Molecular consequence: missense variant.
Genome position (GRCh38, 1-based): chr7:150,950,300, T>C on the plus strand (A>G on the coding strand, the complement: KCNH2 is on the minus strand). VCF-style: chr7-150950300-T-C. GRCh37 (hg19) VCF-style: chr7-150647388-T-C.
Other names: c.2266A>G (LRG_288t1); c.1246A>G, p.Met416Val (NM_001204798.2, NM_172057.3); c.1978A>G, p.Met660Val (NM_001406753.1, NM_001406756.1); c.2089A>G, p.Met697Val (NM_001406755.1); c.1966A>G, p.Met656Val (NM_001406757.1); c.2266A>G, p.Met756Val (NM_172056.3); short protein forms M416V, M756V, M697V, M656V, M660V.
Identifiers: ClinVar variation 67381 (VCV000067381.15), dbSNP rs199473534, ClinGen allele CA006412.

ClinVar aggregate classification (germline): Conflicting classifications of pathogenicity. Review status: criteria provided, conflicting classifications (1 of 4 stars). 7 submissions from 7 submitters: Pathogenic (1); Likely pathogenic (1); Uncertain significance (4). 1 of the submissions does not count toward it. Last evaluated 2026-06-01.

Conditions:
Acquired long QT syndrome. Identifiers: MedGen C2732979, MONDO:1060292.
Long QT syndrome (LQTS). Identifiers: MedGen C0023976, MeSH D008133, MONDO:0002442. Disease mechanism: loss of function. Inheritance: Various modes of inheritance.
Long QT syndrome 2 (LQT2). Identifiers: Orphanet 101016, Orphanet 768, MedGen C3150943, MONDO:0013367, OMIM 613688.

Allele frequency attached by ClinVar (database versions not stated): gnomAD 0.00001; gnomAD exomes 0.00006.
gnomAD v4.1: 88 of 1,613,698 alleles (0.0055%); highest among the groups gnomAD compares: Non-Finnish European, 0.0074%; no homozygotes.

Submissions (7):

CeGaT Center for Human Genetics Tuebingen
Classification: Uncertain significance. Last evaluated: 2026-06-01. Review status: criteria provided, single submitter. Criteria: CeGaT Center For Human Genetics Tuebingen Variant Classification Criteria Version 2. Collection method: clinical testing. Allele origin: germline. Affected: yes. Observed: 1 variant allele.
Comment: KCNH2: PM2:Supporting

All of Us Research Program, National Institutes of Health
Classification: Uncertain significance for Long QT syndrome. Last evaluated: 2023-12-13. Review status: criteria provided, single submitter. Criteria: ACMG Guidelines, 2015. Collection method: clinical testing. Allele origin: germline. Inheritance: Autosomal dominant inheritance. Observed: 2 variant alleles, 2 heterozygotes.
Comment: This missense variant replaces methionine with valine at codon 756 of the KCNH2 protein. Computational prediction suggests that this variant may have deleterious impact on protein structure and function (internally defined REVEL score threshold >= 0.7, PMID: 27666373). This variant is found within a highly conserved cyclic nucleotide binding region (a.a. 742-842). Rare non-truncating variants in this region have been shown to be significantly overrepresented in individuals with long QT syndrome (PMID: 32893267). In-vitro electrophysiological characterization in transfected CHO cells indicated accelerated inactivation kinetics (PMID: 19843919) and expression levels in transfected HEK293 cells showed over 10% of WT (PMID: 26958806). This variant has been reported in individuals affected with long QT syndrome (PMID: 20850565, 32893267), suspected long QT syndrome (PMID: 23631430), drug-induced long QT syndrome (PMID: 19843919), and an individual affected with epilepsy (PMID: 32238909). This variant has not been identified in the general population by the Genome Aggregation Database (gnomAD). The available evidence is insufficient to determine the role of this variant in disease conclusively. Therefore, this variant is classified as a Variant of Uncertain Significance.

This study involves interpretation of variants in research participants for the purpose of population health screening. Participant phenotype was not available at the time of variant classification. Additional details can be found in publication PMID: 35346344, PMCID: PMC8962531

Labcorp Genetics (formerly Invitae), Labcorp
Classification: Uncertain significance for Long QT syndrome. Last evaluated: 2022-08-21. Review status: criteria provided, single submitter. Criteria: Invitae Variant Classification Sherloc (09022015). Collection method: clinical testing. Allele origin: germline.
Comment: This sequence change replaces methionine, which is neutral and non-polar, with valine, which is neutral and non-polar, at codon 756 of the KCNH2 protein (p.Met756Val). This variant is not present in population databases (gnomAD no frequency). This missense change has been observed in individual(s) with long QT syndrome (PMID: 19843919, 23631430). ClinVar contains an entry for this variant (Variation ID: 67381). Algorithms developed to predict the effect of missense changes on protein structure and function are either unavailable or do not agree on the potential impact of this missense change (SIFT: "Deleterious"; PolyPhen-2: "Benign"; Align-GVGD: "Class C0"). In summary, the available evidence is currently insufficient to determine the role of this variant in disease. Therefore, it has been classified as a Variant of Uncertain Significance.

MVZ Martinsried, Medicover Genetics
Classification: Pathogenic for Long QT syndrome 2. Last evaluated: 2021-09-17. Review status: criteria provided, single submitter. Criteria: ACGS Guidelines, 2020. Collection method: clinical testing. Allele origin: unknown. Affected: yes.

Cavalleri Lab, Royal College of Surgeons in Ireland
Classification: Likely pathogenic for Long QT syndrome 2. Last evaluated: 2019-12-11. Review status: criteria provided, single submitter. Criteria: ACMG Guidelines, 2015. Collection method: research. Allele origin: maternal. Inheritance: Autosomal dominant inheritance. Affected: yes.
Comment: ACMG evidence PS3, PM2, PP2,PP3,PP5

Blueprint Genetics
Classification: Uncertain significance. Last evaluated: 2018-10-26. Review status: criteria provided, single submitter. Criteria: ACMG Guidelines, 2015. Collection method: clinical testing. Allele origin: germline.

Cardiovascular Biomedical Research Unit, Royal Brompton & Harefield NHS Foundation Trust
No classification provided. Condition: Acquired long QT syndrome. Review status: no classification provided. Collection method: literature only. Allele origin: germline. Not counted in ClinVar's aggregate classification.
Comment: This variant has been reported as associated with acquired long QT syndrome in the following publications (PMID:19843919). This is a literature report, and does not necessarily reflect the clinical interpretation of the Imperial College / Royal Brompton Cardiovascular Genetics laboratory.

Literature cited by the submitters: PubMed 19843919 (cited by 3 submitters); PubMed 20850565 (cited by All of Us Research Program, National Institutes of Health); PubMed 23631430 (cited by All of Us Research Program, National Institutes of Health and Labcorp Genetics (formerly Invitae), Labcorp); PubMed 26958806 (cited by All of Us Research Program, National Institutes of Health); PubMed 32238909 (cited by All of Us Research Program, National Institutes of Health and Cavalleri Lab, Royal College of Surgeons in Ireland); PubMed 32893267 (cited by All of Us Research Program, National Institutes of Health); PubMed 22581653 (cited by Cardiovascular Biomedical Research Unit, Royal Brompton & Harefield NHS Foundation Trust).